The following is an entry in ClinVar:

NM_182961.4(SYNE1):c.24988_24989delinsTG (p.Ala8330Cys)

Gene: SYNE1 (spectrin repeat containing nuclear envelope protein 1; minus strand). Cytogenetic location: 6q25.2.
Variant type: Indel.
Coding change: c.24988_24989delinsTG on transcript NM_182961.4 (MANE Select); coding-DNA positions 24988 to 24989, GC replaced by TG.
Protein change: p.Ala8330Cys; replaces alanine 8330 with cysteine.
Molecular consequence: missense variant.
Genome position (GRCh38, 1-based): chr6:152,143,753-152,143,754, GC replaced by CA on the plus strand (GC replaced by TG on the coding strand, the reverse complement: SYNE1 is on the minus strand). VCF-style: chr6-152143753-GC-CA. GRCh37 (hg19) VCF-style: chr6-152464888-GC-CA.
Other names: c.1594_1595delinsTG, p.Ala532Cys (NM_001347701.2); c.1522_1523delinsTG, p.Ala508Cys (NM_001347702.2); c.24844_24845delinsTG, p.Ala8282Cys (NM_033071.5); short protein forms A508C, A532C, A8282C, A8330C.
Identifiers: ClinVar variation 1314552 (VCV001314552.3), dbSNP rs2152832669, ClinGen allele CA2573052615.

ClinVar aggregate classification (germline): Uncertain significance. Review status: criteria provided, multiple submitters, no conflicts (2 of 4 stars). 2 submissions from 2 submitters: Uncertain significance (2). Last evaluated 2025-02-10.

Conditions:
Autosomal recessive ataxia, Beauce type. Also called: Spinocerebellar ataxia, autosomal recessive 8; ATAXIA, RECESSIVE, OF BEAUCE; SYNE1 Deficiency; SYNE1-Related Autosomal Recessive Cerebellar Ataxia. Identifiers: Orphanet 88644, MedGen C1853116, MONDO:0012549, OMIM 610743.
Emery-Dreifuss muscular dystrophy 4, autosomal dominant (EDMD4). Also called: EMERY-DREIFUSS MUSCULAR DYSTROPHY 4 WITH VARIABLE FEATURES. Identifiers: Orphanet 261, MedGen C2751807, MONDO:0013071, OMIM 612998.

Submissions (2):

Labcorp Genetics (formerly Invitae), Labcorp
Classification: Uncertain significance for Emery-Dreifuss muscular dystrophy 4, autosomal dominant; Autosomal recessive ataxia, Beauce type. Last evaluated: 2025-02-10. Review status: criteria provided, single submitter. Criteria: Invitae Variant Classification Sherloc (09022015). Collection method: clinical testing. Allele origin: germline.
Comment: This sequence change replaces alanine, which is neutral and non-polar, with cysteine, which is neutral and slightly polar, at codon 8282 of the SYNE1 protein (p.Ala8282Cys). Information on the frequency of this variant in the gnomAD database is not available, as this variant may be reported differently in the database. This variant has not been reported in the literature in individuals affected with SYNE1-related conditions. ClinVar contains an entry for this variant (Variation ID: 1314552). An algorithm developed to predict the effect of missense changes on protein structure and function (PolyPhen-2) suggests that this variant is likely to be disruptive. In summary, the available evidence is currently insufficient to determine the role of this variant in disease. Therefore, it has been classified as a Variant of Uncertain Significance.

GeneDx
Classification: Uncertain significance. Last evaluated: 2021-04-08. Review status: criteria provided, single submitter. Criteria: GeneDx Variant Classification Process June 2021. Collection method: clinical testing. Allele origin: germline. Affected: yes.
Comment: Not observed in large population cohorts (Lek et al., 2016); In silico analysis supports that this variant does not alter protein structure/function; Has not been previously published as pathogenic or benign to our knowledge